The following is an entry in ClinVar:

NC_000011.9:g.(?_47358759)_(47367816_?)del

Gene: MYBPC3 (myosin binding protein C3; minus strand). Cytogenetic location: 11p11.2.
Variant type: Deletion.
Identifiers: ClinVar variation 3244529 (VCV003244529.1).

ClinVar aggregate classification (germline): Likely pathogenic (1 of 4 stars; one submission).

Conditions:
Hypertrophic cardiomyopathy. Also called: HYPERTROPHIC MYOCARDIOPATHY. Identifiers: Orphanet 217569, MedGen C0007194, MeSH D002312, MONDO:0005045, HP:0001639.

Submission:

Labcorp Genetics (formerly Invitae), Labcorp
Classification: Likely pathogenic for Hypertrophic cardiomyopathy. Last evaluated: 2019-04-22. Review status: criteria provided, single submitter. Criteria: Invitae Variant Classification Sherloc (09022015). Collection method: clinical testing. Allele origin: unknown.
Comment: In summary, the currently available evidence indicates that the variant is pathogenic, but additional data are needed to prove that conclusively. Therefore, this variant has been classified as Likely Pathogenic. Loss-of-function variants in MYBPC3 are known to be pathogenic (PMID: 19574547). This variant has not been reported in the literature in individuals with MYBPC3-related conditions. This variant is a deletion of the genomic region encompassing exons 13-25 and part of exon 12 (c.1037_2602+186del) of the MYBPC3 gene. It is expected to disrupt RNA splicing and likely results in an absent or disrupted protein product.

Literature cited by the submitters: PubMed 19574547.